The following is an entry in ClinVar:

NM_017617.5(NOTCH1):c.5140A>G (p.Ile1714Val)

Gene: NOTCH1 (notch receptor 1; minus strand). Cytogenetic location: 9q34.3.
Variant type: single nucleotide variant.
Coding change: c.5140A>G on transcript NM_017617.5 (MANE Select); coding-DNA position 5140, A replaced by G.
Protein change: p.Ile1714Val; replaces isoleucine 1714 with valine.
Molecular consequence: missense variant.
Genome position (GRCh38, 1-based): chr9:136,503,209, T>C on the plus strand (A>G on the coding strand, the complement: NOTCH1 is on the minus strand). VCF-style: chr9-136503209-T-C. GRCh37 (hg19) VCF-style: chr9-139397661-T-C.
Other names: short protein forms I1714V.
Identifiers: ClinVar variation 1319738 (VCV001319738.7), dbSNP rs2133333190, ClinGen allele CA375642049.
Genomic context (GRCh38, chr9:136,503,209, plus strand): 5'-CAGAGCCTGTTCCCGGGATGGGGCCACACTTACTCTGCACGGCCTCGATCTTGTAGGGGA[T>C]GTTGAGGCTGCCCAGCGAGGCGAGCGCTCCCAGGAATGCGGCCACGTCGGTGGCACTCTG-3'
Protein context (NP_060087.3, residues 1704-1724): GALASLGSLN[Ile1714Val]PYKIEAVQSE

ClinVar aggregate classification (germline): Uncertain significance. Review status: criteria provided, multiple submitters, no conflicts (2 of 4 stars). 2 submissions from 2 submitters: Uncertain significance (2). Last evaluated 2023-09-15.

Conditions:
Adams-Oliver syndrome 5 (AOS5). Identifiers: Orphanet 974, MedGen C4014970, MONDO:0014459, OMIM 616028.

Submissions (2):

Labcorp Genetics (formerly Invitae), Labcorp
Classification: Uncertain significance for Adams-Oliver syndrome 5. Last evaluated: 2023-09-15. Review status: criteria provided, single submitter. Criteria: Invitae Variant Classification Sherloc (09022015). Collection method: clinical testing. Allele origin: germline.
Comment: Advanced modeling of protein sequence and biophysical properties (such as structural, functional, and spatial information, amino acid conservation, physicochemical variation, residue mobility, and thermodynamic stability) performed at Invitae indicates that this missense variant is not expected to disrupt NOTCH1 protein function. In summary, the available evidence is currently insufficient to determine the role of this variant in disease. Therefore, it has been classified as a Variant of Uncertain Significance. ClinVar contains an entry for this variant (Variation ID: 1319738). This variant has not been reported in the literature in individuals affected with NOTCH1-related conditions. This variant is not present in population databases (gnomAD no frequency). This sequence change replaces isoleucine, which is neutral and non-polar, with valine, which is neutral and non-polar, at codon 1714 of the NOTCH1 protein (p.Ile1714Val).

Institute for Clinical Genetics, University Hospital TU Dresden, University Hospital TU Dresden
Classification: Uncertain significance. Last evaluated: 2021-11-03. Review status: criteria provided, single submitter. Criteria: ACMG Guidelines, 2015. Collection method: clinical testing. Allele origin: germline.